The following is an entry in ClinVar:

ClinVar aggregate classification (germline): Uncertain significance (1 of 4 stars; one submission).

Allele frequency attached by ClinVar (database versions not stated): gnomAD exomes below 0.00001.
gnomAD v4.1: 2 of 1,614,048 alleles (0.00012%); highest among the groups gnomAD compares: African/African-American, 0.0013%; no homozygotes.

Submission:

Labcorp Genetics (formerly Invitae), Labcorp
Classification: Uncertain significance. Last evaluated: 2017-02-23. Review status: criteria provided, single submitter. Criteria: Invitae Variant Classification Sherloc (09022015). Collection method: clinical testing. Allele origin: germline.
Comment: In summary, this variant is a novel missense change that is not predicted to affect protein function. There is no indication that it causes disease, but the available evidence is currently insufficient to prove that conclusively. Therefore, it has been classified as a Variant of Uncertain Significance. Algorithms developed to predict the effect of missense changes on protein structure and function output the following: (SIFT: "Deleterious"; PolyPhen-2: "Benign"; Align-GVGD: "Class C0"). The glutamic acid amino acid residue is found in multiple mammalian species, suggesting that this missense change does not adversely affect protein function. These predictions have not been confirmed by published functional studies. This variant is not present in population databases (ExAC no frequency) and has not been reported in the literature in individuals with a POLE-related disease. This sequence change replaces glycine with glutamic acid at codon 2039 of the POLE protein (p.Gly2039Glu). The glycine residue is moderately conserved and there is a moderate physicochemical difference between glycine and glutamic acid.

NM_006231.4(POLE):c.6116G>A (p.Gly2039Glu)

Gene: POLE (DNA polymerase epsilon, catalytic subunit; minus strand). Cytogenetic location: 12q24.33.
Variant type: single nucleotide variant.
Coding change: c.6116G>A on transcript NM_006231.4 (MANE Select); coding-DNA position 6116, G replaced by A.
Protein change: p.Gly2039Glu; replaces glycine 2039 with glutamic acid.
Molecular consequence: missense variant.
Genome position (GRCh38, 1-based): chr12:132,632,684, C>T on the plus strand (G>A on the coding strand, the complement: POLE is on the minus strand). VCF-style: chr12-132632684-C-T. GRCh37 (hg19) VCF-style: chr12-133209270-C-T.
Other names: short protein forms G2039E.
Identifiers: ClinVar variation 473781 (VCV000473781.8), dbSNP rs1555220961, ClinGen allele CA387370333.
Genomic context (GRCh38, chr12:132,632,684, plus strand): 5'-GGCACATGGCAGTGGCCTCAAAAGACAAAAGACTGCTCACCGGGAAGGGCTCCGACCGCC[C>T]CCTCGGCCTCCTGGGAGAGCTGGCTGGCCCCCCTCCTCCTCACGGGGGTGCTCCCTGGAG-3'
Protein context (NP_006222.2, residues 2029-2049): GASQLSQEAE[Gly2039Glu]AVGALPGMIT